The following is an entry in ClinVar:

ClinVar aggregate classification (germline): Uncertain significance (1 of 4 stars; one submission).

Submission:

GeneDx
Classification: Uncertain significance. Last evaluated: 2019-10-08. Review status: criteria provided, single submitter. Criteria: GeneDx Variant Classification Process June 2021. Collection method: clinical testing. Allele origin: germline. Affected: yes.
Comment: Not observed in large population cohorts (Lek et al., 2016); In silico analysis, which includes splice predictors and evolutionary conservation, supports a deleterious effect; Has not been previously published as pathogenic or benign to our knowledge

NM_005120.3(MED12):c.1617+5G>T

Genes: MED12 (mediator complex subunit 12; plus strand), LOC126863275 (BRD4-independent group 4 enhancer GRCh37_chrX:70342400-70343599; plus strand). Cytogenetic location: Xq13.1.
Variant type: single nucleotide variant.
Coding change: c.1617+5G>T on transcript NM_005120.3 (MANE Select); 5 bases into the intron after coding-DNA position 1617, G replaced by T.
Molecular consequence: intron variant.
Genome position (GRCh38, 1-based): chrX:71,123,231, G>T. VCF-style: chrX-71123231-G-T. GRCh37 (hg19) VCF-style: chrX-70343081-G-T.
Identifiers: ClinVar variation 1303363 (VCV001303363.2), dbSNP rs2147786590, ClinGen allele CA2573055388.